The following is an entry in ClinVar:

NM_001127222.2(CACNA1A):c.632-5C>T

Gene: CACNA1A (calcium voltage-gated channel subunit alpha1 A; minus strand). Cytogenetic location: 19p13.13.
Variant type: single nucleotide variant.
Coding change: c.632-5C>T on transcript NM_001127222.2 (MANE Select); 5 bases into the intron before coding-DNA position 632, C replaced by T.
Molecular consequence: intron variant.
Genome position (GRCh38, 1-based): chr19:13,365,474, G>A on the plus strand (C>T on the coding strand, the complement: CACNA1A is on the minus strand). VCF-style: chr19-13365474-G-A. GRCh37 (hg19) VCF-style: chr19-13476288-G-A.
Other names: c.632-5C>T (NM_001127221.2, NM_001174080.2, NM_000068.4 and 2 more transcripts).
Identifiers: ClinVar variation 764028 (VCV000764028.10), dbSNP rs1310830010, ClinGen allele CA783478098.
Genomic context (GRCh38, chr19:13,365,474, plus strand): 5'-GATCTGCAGCAAAGGGATCATCGCCTTCATGATCGACTTCAGGACGACTTGTAAACCTGG[G>A]GGGACACAGAGAGAGGCCCCATAAGCCCATGAGCAAGTACCCCCAAACCCCGCCACCAAG-3'

ClinVar aggregate classification (germline): Conflicting classifications of pathogenicity. Review status: criteria provided, conflicting classifications (1 of 4 stars). 2 submissions from 2 submitters: Uncertain significance (1); Likely benign (1). Last evaluated 2025-01-21.

Conditions:
Episodic ataxia type 2 (EA2). Also called: ATAXIA, EPISODIC, WITH NYSTAGMUS; ATAXIA, FAMILIAL PAROXYSMAL; CEREBELLAR ATAXIA, PAROXYSMAL, ACETAZOLAMIDE-RESPONSIVE; CEREBELLOPATHY, HEREDITARY PAROXYSMAL; EPISODIC ATAXIA, NYSTAGMUS-ASSOCIATED; ACETAZOLAMIDE-RESPONSIVE HEREDITARY PAROXYSMAL CEREBELLAR ATAXIA. Identifiers: Orphanet 97, MedGen C1720416, MONDO:0007163, OMIM 108500.
Developmental and epileptic encephalopathy, 42 (DEE42A). Also called: Epileptic encephalopathy, early infantile, 42; DEVELOPMENTAL AND EPILEPTIC ENCEPHALOPATHY 42A; EPILEPTIC ENCEPHALOPATHY, EARLY INFANTILE, 42A. Identifiers: MedGen C4310716, MONDO:0014917, OMIM 617106.

Allele frequency attached by ClinVar (database versions not stated): TOPMed 0.00002.

Submissions (2):

Athena Diagnostics
Classification: Uncertain significance. Last evaluated: 2025-01-21. Review status: criteria provided, single submitter. Criteria: Athena Diagnostics Criteria. Collection method: clinical testing. Allele origin: unknown.
Comment: Available data are insufficient to determine the clinical significance of the variant at this time. The frequency of this variant in the general population is uninformative in assessment of its pathogenicity. Computational tools yielded predictions that this variant is unlikely to have an effect on normal RNA splicing.

Labcorp Genetics (formerly Invitae), Labcorp
Classification: Likely benign for Developmental and epileptic encephalopathy, 42; Episodic ataxia type 2. Last evaluated: 2018-07-27. Review status: criteria provided, single submitter. Criteria: Invitae Variant Classification Sherloc (09022015). Collection method: clinical testing. Allele origin: germline.